The following is an entry in ClinVar:

NM_001017420.3(ESCO2):c.800_836dup (p.Ser279fs)

Gene: ESCO2 (establishment of sister chromatid cohesion N-acetyltransferase 2; plus strand). Cytogenetic location: 8p21.1.
Variant type: Duplication.
Coding change: c.800_836dup on transcript NM_001017420.3 (MANE Select); coding-DNA positions 800 to 836, 37 bases duplicated.
Protein change: p.Ser279fs; shifts the reading frame from serine 279.
Molecular consequence: frameshift variant.
Genome position (GRCh38, 1-based): chr8:27,777,108-27,777,144, 37 bases duplicated; duplicating any 37 consecutive bases within chr8:27,777,106-27,777,144 gives the same sequence; the c. name uses the placement nearest the transcript's 3' end. GRCh37 (hg19): chr8:27,634,625-27,634,661.
Other names: short protein forms S279fs.
Identifiers: ClinVar variation 2867003 (VCV002867003.3), dbSNP rs2486629264, ClinGen allele CA2739279260.
Genomic context (GRCh38, chr8:27,777,105, plus strand): 5'-TAGAGACTGTCAGTGAAAAAAAAACTTTTGCGACAAGGCAAGTGCCAAAGTGCTTGGTCC[T>TAGAAGAGAAATTGAAAATTGGACTACTGAGTGCAAGC]AGAAGAGAAATTGAAAATTGGACTACTGAGTGCAAGCAGTAAAAATAAAGAGAAATTAAT-3'

ClinVar aggregate classification (germline): Pathogenic (1 of 4 stars; one submission).

Submission:

Labcorp Genetics (formerly Invitae), Labcorp
Classification: Pathogenic. Last evaluated: 2023-05-22. Review status: criteria provided, single submitter. Criteria: Invitae Variant Classification Sherloc (09022015). Collection method: clinical testing. Allele origin: germline.
Comment: For these reasons, this variant has been classified as Pathogenic. This variant has not been reported in the literature in individuals affected with ESCO2-related conditions. This variant is not present in population databases (gnomAD no frequency). This sequence change creates a premature translational stop signal (p.Ser279Argfs*14) in the ESCO2 gene. It is expected to result in an absent or disrupted protein product. Loss-of-function variants in ESCO2 are known to be pathogenic (PMID: 15821733, 16380922).

Literature cited by the submitters: PubMed 15821733; PubMed 16380922.